The following is an entry in ClinVar:

NM_033505.4(SELENOI):c.1047A>G (p.Thr349=)

Gene: SELENOI (selenoprotein I; plus strand). Cytogenetic location: 2p23.3.
Variant type: single nucleotide variant.
Coding change: c.1047A>G on transcript NM_033505.4 (MANE Select); coding-DNA position 1047, A replaced by G.
Protein change: p.Thr349=; no amino-acid change (threonine 349 retained).
Molecular consequence: synonymous variant. On other transcripts: non-coding transcript variant (1).
Genome position (GRCh38, 1-based): chr2:26,386,488, A>G. VCF-style: chr2-26386488-A-G. GRCh37 (hg19) VCF-style: chr2-26609356-A-G.
Identifiers: ClinVar variation 1298797 (VCV001298797.35), dbSNP rs201110194, ClinGen allele CA1561667.

ClinVar aggregate classification (germline): Likely benign. Review status: criteria provided, multiple submitters, no conflicts (2 of 4 stars). 2 submissions from 2 submitters: Likely benign (2). Last evaluated 2026-09-01.

Allele frequency attached by ClinVar (database versions not stated): 1000 Genomes Project 30x 0.00078; 1000 Genomes Project 0.00080; TOPMed 0.00210; ESP Exome Variant Server 0.00308; ExAC 0.00352; gnomAD 0.00391 and 0.00404; gnomAD exomes 0.00394.

Submissions (2):

CeGaT Center for Human Genetics Tuebingen
Classification: Likely benign. Last evaluated: 2026-09-01. Review status: criteria provided, single submitter. Criteria: CeGaT Center For Human Genetics Tuebingen Variant Classification Criteria Version 2. Collection method: clinical testing. Allele origin: germline. Affected: yes. Observed: 22 variant alleles.
Comment: SELENOI: BP4, BP7

Breakthrough Genomics
Classification: Likely benign. Review status: criteria provided, single submitter. Criteria: ACMG Guidelines, 2015. Collection method: not provided. Allele origin: germline. Inheritance: Autosomal recessive inheritance. Affected: yes.